The following is an entry in ClinVar:

ClinVar aggregate classification (germline): Conflicting classifications of pathogenicity. Review status: criteria provided, conflicting classifications (1 of 4 stars). 2 submissions from 2 submitters: Likely pathogenic (1); Uncertain significance (1). Last evaluated 2026-09-08.

Conditions:
Fabry disease. Also called: ALPHA-GALACTOSIDASE A DEFICIENCY; ANDERSON-FABRY DISEASE; CERAMIDE TRIHEXOSIDASE DEFICIENCY; GLA DEFICIENCY; HEREDITARY DYSTOPIC LIPIDOSIS; Angiokeratoma corporis diffusum. Identifiers: Orphanet 324, MedGen C0002986, MONDO:0010526, OMIM 301500, HP:0001071. Disease mechanism: Fabry disease is due to inactivating mutations in the X-linked GLA gene resulting in deficiency of the enzyme Alpha Galactosidase-A., loss of function.

Submissions (2):

Genomenon, Inc
Classification: Likely pathogenic for Fabry disease. Last evaluated: 2026-09-08. Review status: criteria provided, single submitter. Criteria: Genomenon Sequence Variant Interpretation Standards - Updated. Collection method: curation. Allele origin: germline. Affected: yes.
Comment: GLA p.Glu59Lys (c.175G>A) is a missense variant that changes the amino acid at codon 59 from Glutamic acid to Lysine. This variant has been observed in at least one proband with clinical features consistent with Fabry disease (PMID:26880903;18057066;7531540). At least one functional study has demonstrated a substantial alteration in protein function relative to the wild-type (PMID:32023956;21598360). It is absent or not present at a significant frequency in gnomAD. In silico models predict that this variant is possibly or probably damaging. In conclusion, we classify GLA p.Glu59Lys (c.175G>A) as a likely pathogenic variant.

Blueprint Genetics
Classification: Uncertain significance. Last evaluated: 2023-09-18. Review status: criteria provided, single submitter. Criteria: ACMG Guidelines, 2015. Collection method: clinical testing. Allele origin: germline.

Literature cited by the submitters: PubMed 26880903 (cited by Genomenon, Inc); PubMed 18057066 (cited by Genomenon, Inc); PubMed 7531540 (cited by Genomenon, Inc); PubMed 32023956 (cited by Genomenon, Inc); PubMed 21598360 (cited by Genomenon, Inc).

NM_000169.3(GLA):c.175G>A (p.Glu59Lys)

Genes: GLA (galactosidase alpha; minus strand), RPL36A-HNRNPH2 (RPL36A-HNRNPH2 readthrough; plus strand). Cytogenetic location: Xq22.1.
Variant type: single nucleotide variant.
Coding change: c.175G>A on transcript NM_000169.3 (MANE Select); coding-DNA position 175, G replaced by A.
Protein change: p.Glu59Lys; replaces glutamic acid 59 with lysine.
Molecular consequence: missense variant. On other transcripts: non-coding transcript variant (3), intron variant (2).
Genome position (GRCh38, 1-based): chrX:101,407,729, C>T on the plus strand (G>A on the coding strand, the complement: GLA is on the minus strand). VCF-style: chrX-101407729-C-T. GRCh37 (hg19) VCF-style: chrX-100662717-C-T.
Other names: c.175G>A, p.Glu59Lys (NM_001406747.1, NM_001406748.1, NM_001406749.1); c.301-4207C>T (NM_001199973.2); c.178-4207C>T (NM_001199974.2); short protein forms E59K.
Identifiers: ClinVar variation 4087292 (VCV004087292.2).
Genomic context (GRCh38, chrX:101,407,729, plus strand): 5'-CATGGAAAAGCAAAGGGAAGGGAGTACCCAATATCTGATACCTGATGCAGGAATCTGGCT[C>T]TTCCTGGCAGTCAAGGTTGCACATGAAGCGCTCCCAGTGCAGCCAGCCCATGGTAGGCGT-3'
Protein context (NP_000160.1, residues 49-69): RFMCNLDCQE[Glu59Lys]PDSCISEKLF